The following is an entry in ClinVar:

ClinVar aggregate classification (germline): Uncertain significance (1 of 4 stars; one submission).

Conditions:
Deficiency of hydroxymethylglutaryl-CoA lyase (HMGCLD). Also called: HMG-CoA LYASE DEFICIENCY; HMGCL DEFICIENCY; HYDROXYMETHYLGLUTARIC ACIDURIA; Defect in leucine metabolism; 3-hydroxy-3-methylglutaric aciduria. Identifiers: Orphanet 20, MedGen C1533587, MONDO:0009520, OMIM 246450.

gnomAD v4.1: 2 of 1,613,932 alleles (0.00012%); highest among the groups gnomAD compares: Non-Finnish European, 0.00017%; no homozygotes.

Submission:

Labcorp Genetics (formerly Invitae), Labcorp
Classification: Uncertain significance for Deficiency of hydroxymethylglutaryl-CoA lyase. Last evaluated: 2024-10-13. Review status: criteria provided, single submitter. Criteria: Invitae Variant Classification Sherloc (09022015). Collection method: clinical testing. Allele origin: germline.
Comment: This sequence change replaces serine, which is neutral and polar, with glycine, which is neutral and non-polar, at codon 146 of the HMGCL protein (p.Ser146Gly). This variant is present in population databases (rs749440251, gnomAD 0.006%). This variant has not been reported in the literature in individuals affected with HMGCL-related conditions. Invitae Evidence Modeling of protein sequence and biophysical properties (such as structural, functional, and spatial information, amino acid conservation, physicochemical variation, residue mobility, and thermodynamic stability) indicates that this missense variant is not expected to disrupt HMGCL protein function with a negative predictive value of 80%. In summary, the available evidence is currently insufficient to determine the role of this variant in disease. Therefore, it has been classified as a Variant of Uncertain Significance.

NM_000191.3(HMGCL):c.436A>G (p.Ser146Gly)

Gene: HMGCL (3-hydroxy-3-methylglutaryl-CoA lyase; minus strand). Cytogenetic location: 1p36.11.
Variant type: single nucleotide variant.
Coding change: c.436A>G on transcript NM_000191.3 (MANE Select); coding-DNA position 436, A replaced by G.
Protein change: p.Ser146Gly; replaces serine 146 with glycine.
Molecular consequence: missense variant. On other transcripts: intron variant (1).
Genome position (GRCh38, 1-based): chr1:23,814,251, T>C on the plus strand (A>G on the coding strand, the complement: HMGCL is on the minus strand). VCF-style: chr1-23814251-T-C. GRCh37 (hg19) VCF-style: chr1-24140741-T-C.
Other names: c.348+2424A>G (NM_001166059.2); short protein forms S146G.
Identifiers: ClinVar variation 3705121 (VCV003705121.2).